The following is an entry in ClinVar:

NM_000455.5(STK11):c.209A>G (p.Glu70Gly)

Gene: STK11 (serine/threonine kinase 11; plus strand). Cytogenetic location: 19p13.3.
Variant type: single nucleotide variant.
Coding change: c.209A>G on transcript NM_000455.5 (MANE Select); coding-DNA position 209, A replaced by G.
Protein change: p.Glu70Gly; replaces glutamic acid 70 with glycine.
Molecular consequence: missense variant.
Genome position (GRCh38, 1-based): chr19:1,207,122, A>G. VCF-style: chr19-1207122-A-G. GRCh37 (hg19) VCF-style: chr19-1207121-A-G.
Other names: short protein forms E70G.
Identifiers: ClinVar variation 860013 (VCV000860013.15), dbSNP rs2080672614, ClinGen allele CA402944334.

ClinVar aggregate classification (germline): Uncertain significance. Review status: criteria provided, multiple submitters, no conflicts (2 of 4 stars). 4 submissions from 4 submitters: Uncertain significance (4). Last evaluated 2025-06-10.

Conditions:
Hereditary cancer-predisposing syndrome. Also called: Hereditary neoplastic syndrome; Tumor predisposition; Neoplastic Syndromes, Hereditary; Hereditary Cancer Syndrome. Identifiers: Orphanet 140162, MedGen C0027672, MeSH D009386, MONDO:0015356.
Peutz-Jeghers syndrome (PJS). Also called: Peutz-Jeghers polyposis; Periorificial lentiginosis syndrome; POLYPOSIS, HAMARTOMATOUS INTESTINAL; POLYPS-AND-SPOTS SYNDROME. Identifiers: Orphanet 2869, MedGen C0031269, MeSH D010580, MONDO:0008280, OMIM 175200.

Allele frequency attached by ClinVar (database versions not stated): gnomAD exomes 0.00001.
gnomAD v4.1: 7 of 1,613,816 alleles (0.00043%); highest among the groups gnomAD compares: Non-Finnish European, 0.00059%; no homozygotes.

Submissions (4):

Molecular Pathology, Peter Maccallum Cancer Centre
Classification: Uncertain significance for Peutz-Jeghers syndrome. Last evaluated: 2025-06-10. Review status: criteria provided, single submitter. Criteria: ACMG Guidelines, 2015. Collection method: clinical testing. Allele origin: germline. Inheritance: Autosomal dominant inheritance.

Labcorp Genetics (formerly Invitae), Labcorp
Classification: Uncertain significance for Peutz-Jeghers syndrome. Last evaluated: 2023-05-08. Review status: criteria provided, single submitter. Criteria: Invitae Variant Classification Sherloc (09022015). Collection method: clinical testing. Allele origin: germline.
Comment: Advanced modeling of protein sequence and biophysical properties (such as structural, functional, and spatial information, amino acid conservation, physicochemical variation, residue mobility, and thermodynamic stability) performed at Invitae indicates that this missense variant is expected to disrupt STK11 protein function. ClinVar contains an entry for this variant (Variation ID: 860013). This variant has not been reported in the literature in individuals affected with STK11-related conditions. This variant is not present in population databases (gnomAD no frequency). This sequence change replaces glutamic acid, which is acidic and polar, with glycine, which is neutral and non-polar, at codon 70 of the STK11 protein (p.Glu70Gly). In summary, the available evidence is currently insufficient to determine the role of this variant in disease. Therefore, it has been classified as a Variant of Uncertain Significance.

Color Diagnostics, LLC DBA Color Health
Classification: Uncertain significance for Hereditary cancer-predisposing syndrome. Last evaluated: 2022-08-01. Review status: criteria provided, single submitter. Criteria: ACMG Guidelines, 2015. Collection method: clinical testing. Allele origin: germline.
Comment: This missense variant replaces glutamic acid with glycine at codon 70 of the STK11 protein. Computational prediction suggests that this variant may not impact protein structure and function (internally defined REVEL score threshold <= 0.5, PMID: 27666373). To our knowledge, functional studies have not been reported for this variant. This variant has not been reported in individuals affected with hereditary cancer in the literature. This variant has not been identified in the general population by the Genome Aggregation Database (gnomAD). The available evidence is insufficient to determine the role of this variant in disease conclusively. Therefore, this variant is classified as a Variant of Uncertain Significance.

Ambry Genetics
Classification: Uncertain significance for Hereditary cancer-predisposing syndrome. Last evaluated: 2021-08-20. Review status: criteria provided, single submitter. Criteria: Ambry Variant Classification Scheme 2023. Collection method: clinical testing. Allele origin: germline.
Comment: The p.E70G variant (also known as c.209A>G), located in coding exon 1 of the STK11 gene, results from an A to G substitution at nucleotide position 209. The glutamic acid at codon 70 is replaced by glycine, an amino acid with similar properties. This amino acid position is well conserved in available vertebrate species. In addition, the in silico prediction for this alteration is inconclusive. Since supporting evidence is limited at this time, the clinical significance of this alteration remains unclear.